The following is an entry in ClinVar:

NM_002645.4(PIK3C2A):c.270_271inv (p.Asp91Asn)

Gene: PIK3C2A (phosphatidylinositol-4-phosphate 3-kinase catalytic subunit type 2 alpha; minus strand). Cytogenetic location: 11p15.1.
Variant type: Inversion.
Coding change: c.270_271inv on transcript NM_002645.4 (MANE Select).
Protein change: p.Asp91Asn; replaces aspartic acid 91 with asparagine.
Molecular consequence: missense variant. On other transcripts: intron variant (1).
Genome position: GRCh38 VCF-style: chr11-17169471-CA-TG. GRCh37 (hg19) VCF-style: chr11-17191018-CA-TG.
Other names: c.270_271inv, p.Asp91Asn (NM_001321378.2, NM_001386870.1); c.-75-13843_-75-13842inv (NM_001321380.2); short protein forms D91N.
Identifiers: ClinVar variation 2780346 (VCV002780346.3), ClinGen allele CA2739276218.

ClinVar aggregate classification (germline): Uncertain significance (1 of 4 stars; one submission).

Submission:

Labcorp Genetics (formerly Invitae), Labcorp
Classification: Uncertain significance. Last evaluated: 2022-12-31. Review status: criteria provided, single submitter. Criteria: Invitae Variant Classification Sherloc (09022015). Collection method: clinical testing. Allele origin: germline.
Comment: In summary, the available evidence is currently insufficient to determine the role of this variant in disease. Therefore, it has been classified as a Variant of Uncertain Significance. Experimental studies and prediction algorithms are not available or were not evaluated, and the functional significance of this variant is currently unknown. This variant has not been reported in the literature in individuals affected with PIK3C2A-related conditions. Information on the frequency of this variant in the gnomAD database is not available, as this variant may be reported differently in the database. This sequence change replaces aspartic acid, which is acidic and polar, with asparagine, which is neutral and polar, at codon 91 of the PIK3C2A protein (p.Asp91Asn).